The following is an entry in ClinVar:

NM_001098511.3(KIF2A):c.559-143G>A

Gene: KIF2A (kinesin family member 2A; plus strand). Cytogenetic location: 5q12.1.
Variant type: single nucleotide variant.
Coding change: c.559-143G>A on transcript NM_001098511.3 (MANE Select); 143 bases into the intron before coding-DNA position 559, G replaced by A.
Molecular consequence: intron variant.
Genome position (GRCh38, 1-based): chr5:62,355,016, G>A. VCF-style: chr5-62355016-G-A. GRCh37 (hg19) VCF-style: chr5-61650843-G-A.
Other names: c.478-143G>A (NM_001243952.2); c.559-143G>A (NM_004520.5); c.502-143G>A (NM_001243953.2).
Identifiers: ClinVar variation 682867 (VCV000682867.2), dbSNP rs2289883, ClinGen allele CA12027460.

ClinVar aggregate classification (germline): Benign. Review status: criteria provided, multiple submitters, no conflicts (2 of 4 stars). 2 submissions from 2 submitters: Benign (2). Last evaluated 2018-06-14.

Allele frequency attached by ClinVar (database versions not stated): gnomAD exomes 0.42726; gnomAD 0.48159 and 0.48591; TOPMed 0.49203; 1000 Genomes Project 30x 0.51156; 1000 Genomes Project 0.51238.
gnomAD v4.1: 227,638 of 512,836 alleles (44%); highest among the groups gnomAD compares: East Asian, 62%; 52,864 homozygotes.

Submissions (2):

GeneDx
Classification: Benign. Last evaluated: 2018-06-14. Review status: criteria provided, single submitter. Criteria: GeneDx Variant Classification (06012015). Collection method: clinical testing. Allele origin: germline. Affected: yes.
Comment: This variant is considered likely benign or benign based on one or more of the following criteria: it is a conservative change, it occurs at a poorly conserved position in the protein, it is predicted to be benign by multiple in silico algorithms, and/or has population frequency not consistent with disease.

Breakthrough Genomics
Classification: Benign. Review status: criteria provided, single submitter. Criteria: ACMG Guidelines, 2015. Collection method: not provided. Allele origin: germline. Inheritance: Autosomal dominant inheritance. Affected: yes.